The following is an entry in ClinVar:

ClinVar aggregate classification (germline): Uncertain significance (0 of 4 stars; one submission).

Conditions:
Hearing impairment. Also called: Impaired Hearing. Identifiers: MedGen C1384666, MONDO:0005365, HP:0000365.

gnomAD v4.1: 9 of 152,246 alleles (0.0059%); highest among the groups gnomAD compares: African/African-American, 0.022%; no homozygotes.

Submission:

Joint Genome Diagnostic Labs from Nijmegen and Maastricht, Radboudumc and MUMC+
Classification: Uncertain significance for hearing impairment. Review status: no assertion criteria provided. Collection method: clinical testing. Allele origin: germline. Affected: yes.

NM_017433.5(MYO3A):c.954-13684A>G

Gene: MYO3A (myosin IIIA; plus strand). Cytogenetic location: 10p12.1.
Variant type: single nucleotide variant.
Coding change: c.954-13684A>G on transcript NM_017433.5 (MANE Select); 13684 bases into the intron before coding-DNA position 954, A replaced by G.
Molecular consequence: intron variant.
Genome position (GRCh38, 1-based): chr10:26,053,291, A>G. VCF-style: chr10-26053291-A-G. GRCh37 (hg19) VCF-style: chr10-26342220-A-G.
Identifiers: ClinVar variation 3338134 (VCV003338134.1).